The following is an entry in ClinVar:

ClinVar aggregate classification (germline): Likely pathogenic (1 of 4 stars; one submission).

Conditions:
Dilated cardiomyopathy 1Y (CMD1Y). Identifiers: Orphanet 154, Orphanet 54260, MedGen C2678476, MONDO:0012744, OMIM 611878.

Submission:

Molecular Genetics Laboratory, Motol Hospital
Classification: Likely pathogenic for Dilated cardiomyopathy 1Y. Last evaluated: 2025-04-15. Review status: criteria provided, single submitter. Criteria: ACMG Guidelines, 2015. Collection method: clinical testing. Allele origin: germline. Affected: yes. Observed: 5 variant alleles.
Comment: Detected in the mutational hot spot in exon 1 of the TPM1 gene (PM1). Rare variant not present in gnomAD population databases (PM2). In silico prediction tools support deleterious effect on the gene (PP3). Cosegregation with disease in multiple affected family members with DCM and not present in unaffected family members (PP1). Therefore, this variant is classified as likely pathogenic.

Literature cited by the submitters: PubMed 11273725.

NM_001018005.2(TPM1):c.42C>G (p.Asp14Glu)

Gene: TPM1 (tropomyosin 1; plus strand). Cytogenetic location: 15q22.2.
Variant type: single nucleotide variant.
Coding change: c.42C>G on transcript NM_001018005.2 (MANE Select); coding-DNA position 42, C replaced by G.
Protein change: p.Asp14Glu; replaces aspartic acid 14 with glutamic acid.
Molecular consequence: missense variant. On other transcripts: non-coding transcript variant (11).
Genome position (GRCh38, 1-based): chr15:63,042,871, C>G. VCF-style: chr15-63042871-C-G. GRCh37 (hg19) VCF-style: chr15-63335070-C-G.
Other names: c.42C>G, p.Asp14Glu (NM_000366.6, NM_001018004.2, NM_001018006.2 and 24 more transcripts); short protein forms D14E.
Identifiers: ClinVar variation 3780971 (VCV003780971.1).